The following is an entry in ClinVar:

NM_000157.4(GBA1):c.203C>G (p.Pro68Arg)

Genes: GBA1 (glucosylceramidase beta 1; minus strand), LOC106627981 (GBA recombination region; plus strand). Cytogenetic location: 1q22.
Variant type: single nucleotide variant.
Coding change: c.203C>G on transcript NM_000157.4 (MANE Select); coding-DNA position 203, C replaced by G.
Protein change: p.Pro68Arg; replaces proline 68 with arginine.
Molecular consequence: missense variant. On other transcripts: 5 prime UTR variant (1).
Genome position (GRCh38, 1-based): chr1:155,239,990, G>C on the plus strand (C>G on the coding strand, the complement: GBA1 is on the minus strand). VCF-style: chr1-155239990-G-C. GRCh37 (hg19) VCF-style: chr1-155209781-G-C.
Other names: c.203C>G, p.Pro68Arg (NM_001005741.3, NM_001005742.3, NM_001171812.2); c.-59C>G (NM_001171811.2); c.203C>G (NM_001005742.2); short protein forms P68R.
Identifiers: ClinVar variation 2501769 (VCV002501769.2), dbSNP rs141061530, ClinGen allele CA1141820.

ClinVar aggregate classification (germline): Uncertain significance. Review status: criteria provided, multiple submitters, no conflicts (2 of 4 stars). 2 submissions from 2 submitters: Uncertain significance (2). Last evaluated 2024-01-31.

Allele frequency attached by ClinVar (database versions not stated): gnomAD 0.00002; ESP Exome Variant Server 0.00015.
gnomAD v4.1: 4 of 1,613,934 alleles (0.00025%); highest among the groups gnomAD compares: African/African-American, 0.004%; no homozygotes.

Submissions (2):

Ambry Genetics
Classification: Uncertain significance. Last evaluated: 2024-01-31. Review status: criteria provided, single submitter. Criteria: Ambry Variant Classification Scheme 2023. Collection method: clinical testing. Allele origin: germline.

Center for Genomics, Ann and Robert H. Lurie Children's Hospital of Chicago
Classification: Uncertain significance. Last evaluated: 2022-10-11. Review status: criteria provided, single submitter. Criteria: ACMG Guidelines, 2015. Collection method: clinical testing. Allele origin: germline.
Comment: This variant has not been reported in the literature but is present in the Genome Aggregation Database (Highest reported MAF: 0.007% [3/41392]). Evolutionary conservation and computational prediction tools suggest that this variant may not impact the protein. In summary, data on this variant is insufficient for disease classification. Therefore, the clinical significance of this variant is uncertain.